The following is an entry in ClinVar:

ClinVar aggregate classification (germline): Conflicting classifications of pathogenicity. Review status: criteria provided, conflicting classifications (1 of 4 stars). 5 submissions from 5 submitters: Uncertain significance (1); Benign (1); Likely benign (3). Last evaluated 2026-08-03.

Conditions:
RAI1-related disorder. Also called: RAI1-related condition.
Inborn genetic diseases. Identifiers: MedGen C0950123, MeSH D030342.

Allele frequency attached by ClinVar (database versions not stated): ExAC 0.00001; gnomAD 0.00003 and 0.00004; TOPMed 0.00006; ESP Exome Variant Server 0.00008.
gnomAD v4.1: 56 of 1,611,312 alleles (0.0035%); highest among the groups gnomAD compares: African/African-American, 0.0067%; no homozygotes.

Submissions (5):

PreventionGenetics, part of Exact Sciences
Classification: Likely benign for RAI1-related condition. Last evaluated: 2026-08-03. Review status: criteria provided, single submitter. Criteria: ACMG Guidelines, 2015. Collection method: clinical testing. Allele origin: germline.
Comment: This variant is classified as likely benign based on ACMG/AMP sequence variant interpretation guidelines (Richards et al. 2015 PMID: 25741868, with internal and published modifications).

Labcorp Genetics (formerly Invitae), Labcorp
Classification: Benign. Last evaluated: 2025-09-02. Review status: criteria provided, single submitter. Criteria: Invitae Variant Classification Sherloc (09022015). Collection method: clinical testing. Allele origin: germline.

CeGaT Center for Human Genetics Tuebingen
Classification: Likely benign. Last evaluated: 2023-02-01. Review status: criteria provided, single submitter. Criteria: CeGaT Center For Human Genetics Tuebingen Variant Classification Criteria Version 2. Collection method: clinical testing. Allele origin: germline. Affected: yes. Observed: 1 variant allele.
Comment: RAI1: BP4

Ambry Genetics
Classification: Likely benign for Inborn genetic diseases. Last evaluated: 2019-12-19. Review status: criteria provided, single submitter. Criteria: Ambry Variant Classification Scheme 2023. Collection method: clinical testing. Allele origin: germline.

Genetic Services Laboratory, University of Chicago
Classification: Uncertain significance. Last evaluated: 2017-08-25. Review status: criteria provided, single submitter. Criteria: ACMG Guidelines, 2015. Collection method: clinical testing. Allele origin: germline. Affected: no.

NM_030665.4(RAI1):c.3884C>T (p.Pro1295Leu)

Gene: RAI1 (retinoic acid induced 1; plus strand). Cytogenetic location: 17p11.2.
Variant type: single nucleotide variant.
Coding change: c.3884C>T on transcript NM_030665.4 (MANE Select); coding-DNA position 3884, C replaced by T.
Protein change: p.Pro1295Leu; replaces proline 1295 with leucine.
Molecular consequence: missense variant.
Genome position (GRCh38, 1-based): chr17:17,796,832, C>T. VCF-style: chr17-17796832-C-T. GRCh37 (hg19) VCF-style: chr17-17700146-C-T.
Other names: short protein forms P1295L.
Identifiers: ClinVar variation 1338255 (VCV001338255.37), dbSNP rs376809177, ClinGen allele CA8418851.
Genomic context (GRCh38, chr17:17,796,832, plus strand): 5'-CTCCCAAGAAAGCCAAGCCCACCAAGGGCAATGGCGAGCCTGCCACAAAGCTCCCACCCC[C>T]GGAGACCCCCGATGCCTGCCTCAAGCTCGCCTCTCGGGCAGCCTTCCAGGGGGCCATGAA-3'
Protein context (NP_109590.3, residues 1285-1305): NGEPATKLPP[Pro1295Leu]ETPDACLKLA